The following is an entry in ClinVar:

ClinVar aggregate classification (germline): Benign/Likely benign. Review status: criteria provided, multiple submitters, no conflicts (2 of 4 stars). 2 submissions from 2 submitters: Benign (1); Likely benign (1). Last evaluated 2024-04-24.

Allele frequency attached by ClinVar (database versions not stated): TOPMed below 0.00001; gnomAD 0.00001; gnomAD exomes 0.00001 and 0.00002; ExAC 0.00002; ESP Exome Variant Server 0.00008.
gnomAD v4.1: 13 of 1,613,700 alleles (0.00081%); highest among the groups gnomAD compares: Middle Eastern, 0.017%; no homozygotes.

Submissions (2):

Blueprint Genetics
Classification: Likely benign. Last evaluated: 2024-04-24. Review status: criteria provided, single submitter. Criteria: ACMG Guidelines, 2015. Collection method: clinical testing. Allele origin: germline.

GeneDx
Classification: Benign. Last evaluated: 2015-01-30. Review status: criteria provided, single submitter. Criteria: GeneDx Variant Classification (06012015). Collection method: clinical testing. Allele origin: germline. Affected: yes.
Comment: This variant is considered likely benign or benign based on one or more of the following criteria: it is a conservative change, it occurs at a poorly conserved position in the protein, it is predicted to be benign by multiple in silico algorithms, and/or has population frequency not consistent with disease.

NM_000368.5(TSC1):c.-20C>T

Gene: TSC1 (TSC complex subunit 1; minus strand). Cytogenetic location: 9q34.13.
Variant type: single nucleotide variant.
Coding change: c.-20C>T on transcript NM_000368.5 (MANE Select); 20 bases upstream of the start codon, C replaced by T.
Molecular consequence: 5 prime UTR variant.
Genome position (GRCh38, 1-based): chr9:132,928,892, G>A on the plus strand (C>T on the coding strand, the complement: TSC1 is on the minus strand). VCF-style: chr9-132928892-G-A. GRCh37 (hg19) VCF-style: chr9-135804279-G-A.
Other names: c.-20C>T (NM_001162426.2, NM_001162427.2); c.-279C>T (NM_001362177.2).
Identifiers: ClinVar variation 207605 (VCV000207605.3), dbSNP rs377001111, ClinGen allele CA031205.